The following is an entry in ClinVar:

ClinVar aggregate classification (germline): Uncertain significance (1 of 4 stars; one submission).

Conditions:
Anauxetic dysplasia. Identifiers: Orphanet 93347, MedGen C1846796, MONDO:0011773.

Allele frequency attached by ClinVar (database versions not stated): gnomAD exomes below 0.00001; TOPMed 0.00002; gnomAD 0.00003.
gnomAD v4.1: 5 of 697,426 alleles (0.00072%); highest among the groups gnomAD compares: East Asian, 0.008%; no homozygotes.

Submission:

Labcorp Genetics (formerly Invitae), Labcorp
Classification: Uncertain significance for Anauxetic dysplasia. Last evaluated: 2024-06-17. Review status: criteria provided, single submitter. Criteria: Invitae Variant Classification Sherloc (09022015). Collection method: clinical testing. Allele origin: germline.
Comment: This variant occurs in the RMRP gene, which encodes an RNA molecule that does not result in a protein product. This variant is present in population databases (no rsID available, gnomAD 0.02%). This variant has not been reported in the literature in individuals affected with RMRP-related conditions. ClinVar contains an entry for this variant (Variation ID: 2171256). Experimental studies and prediction algorithms are not available or were not evaluated, and the functional significance of this variant is currently unknown. In summary, the available evidence is currently insufficient to determine the role of this variant in disease. Therefore, it has been classified as a Variant of Uncertain Significance.

NC_000009.12:g.35657897A>G

Gene: RMRP (RNA component of mitochondrial RNA processing endoribonuclease; minus strand). Cytogenetic location: 9p13.3.
Variant type: single nucleotide variant.
Genome position: GRCh38 VCF-style: chr9-35657897-A-G. GRCh37 (hg19) VCF-style: chr9-35657894-A-G.
Identifiers: ClinVar variation 2171256 (VCV002171256.2), dbSNP rs1262019879, ClinGen allele CA464450757.